The following is an entry in ClinVar:

ClinVar aggregate classification (germline): Uncertain significance (1 of 4 stars; one submission).

Allele frequency attached by ClinVar (database versions not stated): gnomAD exomes below 0.00001; TOPMed below 0.00001.
gnomAD v4.1: 3 of 1,613,778 alleles (0.00019%); no homozygotes.

Submission:

Labcorp Genetics (formerly Invitae), Labcorp
Classification: Uncertain significance. Last evaluated: 2022-04-29. Review status: criteria provided, single submitter. Criteria: Invitae Variant Classification Sherloc (09022015). Collection method: clinical testing. Allele origin: germline.
Comment: This variant is not present in population databases (gnomAD no frequency). This sequence change replaces glycine, which is neutral and non-polar, with serine, which is neutral and polar, at codon 6 of the SLC24A5 protein (p.Gly6Ser). This variant has not been reported in the literature in individuals affected with SLC24A5-related conditions. In summary, the available evidence is currently insufficient to determine the role of this variant in disease. Therefore, it has been classified as a Variant of Uncertain Significance. Algorithms developed to predict the effect of missense changes on protein structure and function output the following: SIFT: "Tolerated"; PolyPhen-2: "Benign"; Align-GVGD: "Class C0". The serine amino acid residue is found in multiple mammalian species, which suggests that this missense change does not adversely affect protein function.

NM_205850.3(SLC24A5):c.16G>A (p.Gly6Ser)

Gene: SLC24A5 (solute carrier family 24 member 5; plus strand). Cytogenetic location: 15q21.1.
Variant type: single nucleotide variant.
Coding change: c.16G>A on transcript NM_205850.3 (MANE Select); coding-DNA position 16, G replaced by A.
Protein change: p.Gly6Ser; replaces glycine 6 with serine.
Molecular consequence: missense variant.
Genome position (GRCh38, 1-based): chr15:48,121,060, G>A. VCF-style: chr15-48121060-G-A. GRCh37 (hg19) VCF-style: chr15-48413257-G-A.
Other names: short protein forms G6S.
Identifiers: ClinVar variation 1986492 (VCV001986492.4), dbSNP rs199613368, ClinGen allele CA269979891.